The following is an entry in ClinVar:

ClinVar aggregate classification (germline): Uncertain significance (1 of 4 stars; one submission).

Conditions:
Catecholaminergic polymorphic ventricular tachycardia (CVPT). Also called: Catecholamine-induced polymorphic ventricular tachycardia. Identifiers: Orphanet 3286, MedGen C5574922, MONDO:0017990.

Submission:

All of Us Research Program, National Institutes of Health
Classification: Uncertain significance for Catecholaminergic polymorphic ventricular tachycardia. Last evaluated: 2023-12-13. Review status: criteria provided, single submitter. Criteria: ACMG Guidelines, 2015. Collection method: clinical testing. Allele origin: germline. Inheritance: Autosomal dominant inheritance. Observed: 1 variant allele, 1 heterozygote.
Comment: This variant causes a deletion of asparagine at codon 1836 of the RYR2 protein. To our knowledge, functional studies have not been reported for this variant. This variant has not been reported in individuals affected with RYR2-related disorders in the literature. This variant has not been identified in the general population by the Genome Aggregation Database (gnomAD). The available evidence is insufficient to determine the role of this variant in disease conclusively. Therefore, this variant is classified as a Variant of Uncertain Significance.

This study involves interpretation of variants in research participants for the purpose of population health screening. Participant phenotype was not available at the time of variant classification. Additional details can be found in publication PMID: 35346344, PMCID: PMC8962531

NM_001035.3(RYR2):c.5506_5508del (p.Asn1836del)

Gene: RYR2 (ryanodine receptor 2; plus strand). Cytogenetic location: 1q43.
Variant type: Deletion.
Coding change: c.5506_5508del on transcript NM_001035.3 (MANE Select); coding-DNA positions 5506 to 5508, 3 bases deleted (AAC; older notation c.5506_5508delAAC).
Protein change: p.Asn1836del; deletes asparagine 1836.
Molecular consequence: inframe deletion.
Genome position (GRCh38, 1-based): chr1:237,614,634-237,614,636, AAC deleted; deleting any 3 consecutive bases within chr1:237,614,632-237,614,636 gives the same sequence; the c. name uses the placement nearest the transcript's 3' end. VCF-style (leftmost placement, unchanged base first): chr1-237614631-CACA-C. GRCh37 (hg19) VCF-style: chr1-237777931-CACA-C.
Other names: short protein forms N1836del.
Identifiers: ClinVar variation 3074773 (VCV003074773.1), dbSNP rs2546796278, ClinGen allele CA2825000955.